The following is an entry in ClinVar:

ClinVar aggregate classification (germline): Conflicting classifications of pathogenicity. Review status: criteria provided, conflicting classifications (1 of 4 stars). 5 submissions from 4 submitters: Uncertain significance (2); Likely benign (3). Last evaluated 2025-11-19.

Conditions:
Age related macular degeneration 14. Also called: MACULAR DEGENERATION, AGE-RELATED, 14, REDUCED RISK OF. Identifiers: MedGen C3809653, MONDO:0014207, OMIM 615489.
Complement component 2 deficiency (C2D). Also called: C2 deficiency. Identifiers: MedGen C0398756, MONDO:0009006, OMIM 217000.

Allele frequency attached by ClinVar (database versions not stated): ESP Exome Variant Server 0.00036; gnomAD 0.00040 and 0.00041; TOPMed 0.00049; gnomAD exomes 0.00011 and 0.00013; ExAC 0.00015; 1000 Genomes Project 30x 0.00016; 1000 Genomes Project 0.00020.
gnomAD v4.1: 218 of 1,613,032 alleles (0.014%); highest among the groups gnomAD compares: African/African-American, 0.12%; no homozygotes.

Submissions (5):

Mayo Clinic Laboratories, Mayo Clinic
Classification: Likely benign. Last evaluated: 2025-11-19. Review status: criteria provided, single submitter. Criteria: ACMG Guidelines, 2015. Collection method: clinical testing. Allele origin: germline. Observed: 1 variant allele.
Comment: BP4, BP7

Labcorp Genetics (formerly Invitae), Labcorp
Classification: Likely benign. Last evaluated: 2025-08-30. Review status: criteria provided, single submitter. Criteria: Invitae Variant Classification Sherloc (09022015). Collection method: clinical testing. Allele origin: germline.

Blueprint Genetics
Classification: Likely benign. Last evaluated: 2023-05-26. Review status: criteria provided, single submitter. Criteria: ACMG Guidelines, 2015. Collection method: clinical testing. Allele origin: germline.

Illumina Laboratory Services, Illumina
Classification: Uncertain significance for Age related macular degeneration 14. Last evaluated: 2018-01-13. Review status: criteria provided, single submitter. Criteria: ICSL Variant Classification Criteria 13 December 2019. Collection method: clinical testing. Allele origin: germline.

Illumina Laboratory Services, Illumina
Classification: Uncertain significance for Complement component 2 deficiency. Last evaluated: 2018-01-13. Review status: criteria provided, single submitter. Criteria: ICSL Variant Classification Criteria 13 December 2019. Collection method: clinical testing. Allele origin: germline.

NM_000063.6(C2):c.1413C>T (p.Asn471=)

Gene: C2 (complement C2; plus strand). Cytogenetic location: 6p21.33.
Variant type: single nucleotide variant.
Coding change: c.1413C>T on transcript NM_000063.6 (MANE Select); coding-DNA position 1413, C replaced by T.
Protein change: p.Asn471=; no amino-acid change (asparagine 471 retained).
Molecular consequence: synonymous variant.
Genome position (GRCh38, 1-based): chr6:31,943,277, C>T. VCF-style: chr6-31943277-C-T. GRCh37 (hg19) VCF-style: chr6-31911054-C-T.
Other names: p.Asn471=; c.1017C>T, p.Asn339= (NM_001145903.3); c.771C>T, p.Asn257= (NM_001178063.3); c.675C>T, p.Asn225= (NM_001282457.2); c.1326C>T, p.Asn442= (NM_001282458.2).
Identifiers: ClinVar variation 905958 (VCV000905958.14), dbSNP rs138221333, ClinGen allele CA3727698.